The following is an entry in ClinVar:

NM_013382.7(POMT2):c.1762C>T (p.Arg588Ter)

Gene: POMT2 (protein O-mannosyltransferase 2; minus strand). Cytogenetic location: 14q24.3.
Variant type: single nucleotide variant.
Coding change: c.1762C>T on transcript NM_013382.7 (MANE Select); coding-DNA position 1762, C replaced by T.
Protein change: p.Arg588Ter; replaces arginine 588 with a stop codon.
Molecular consequence: nonsense.
Genome position (GRCh38, 1-based): chr14:77,280,044, G>A on the plus strand (C>T on the coding strand, the complement: POMT2 is on the minus strand). VCF-style: chr14-77280044-G-A. GRCh37 (hg19) VCF-style: chr14-77746387-G-A.
Other names: short protein forms R588*.
Identifiers: ClinVar variation 378419 (VCV000378419.10), dbSNP rs766169193, ClinGen allele CA7285721.

ClinVar aggregate classification (germline): Pathogenic. Review status: criteria provided, multiple submitters, no conflicts (2 of 4 stars). 3 submissions from 3 submitters: Pathogenic (3). Last evaluated 2025-05-03.

Conditions:
Muscular dystrophy-dystroglycanopathy (congenital with brain and eye anomalies), type A2. Also called: WALKER-WARBURG SYNDROME OR MUSCLE-EYE-BRAIN DISEASE, POMT2-RELATED; MUSCULAR DYSTROPHY-DYSTROGLYCANOPATHY (CONGENITAL WITH BRAIN AND EYE ANOMALIES), TYPE A, 2. Identifiers: Orphanet 588, Orphanet 899, MedGen C3150411, MONDO:0013154, OMIM 613150.
Muscular dystrophy-dystroglycanopathy (congenital with impaired intellectual development), type B, 2. Also called: Muscular dystrophy-dystroglycanopathy (congenital with intellectual disability), type B2; MUSCULAR DYSTROPHY, CONGENITAL, POMT2-RELATED. Identifiers: MedGen C3150416, MONDO:0013160, OMIM 613156.
Autosomal recessive limb-girdle muscular dystrophy type 2N. Also called: Muscular dystrophy-dystroglycanopathy (limb-girdle), type C, 2; MUSCULAR DYSTROPHY-DYSTROGLYCANOPATHY, LIMB-GIRDLE, POMT2-RELATED. Identifiers: Orphanet 206559, MedGen C3150418, MONDO:0013162, OMIM 613158.

Allele frequency attached by ClinVar (database versions not stated): TOPMed 0.00001; gnomAD exomes 0.00002 and 0.00001; gnomAD 0.00001; ExAC 0.00002.
gnomAD v4.1: 22 of 1,613,818 alleles (0.0014%); highest among the groups gnomAD compares: East Asian, 0.0045%; no homozygotes.

Submissions (3):

Labcorp Genetics (formerly Invitae), Labcorp
Classification: Pathogenic for Muscular dystrophy-dystroglycanopathy (congenital with impaired intellectual development), type B, 2; Muscular dystrophy-dystroglycanopathy (congenital with brain and eye anomalies), type A2; Autosomal recessive limb-girdle muscular dystrophy type 2N. Last evaluated: 2025-05-03. Review status: criteria provided, single submitter. Criteria: Invitae Variant Classification Sherloc (09022015). Collection method: clinical testing. Allele origin: germline.
Comment: This sequence change creates a premature translational stop signal (p.Arg588*) in the POMT2 gene. It is expected to result in an absent or disrupted protein product. Loss-of-function variants in POMT2 are known to be pathogenic (PMID: 15894594). This variant is present in population databases (rs766169193, gnomAD 0.003%). This premature translational stop signal has been observed in individual(s) with limb-girdle muscular dystrophy (PMID: 29175898). ClinVar contains an entry for this variant (Variation ID: 378419). Algorithms developed to predict the effect of sequence changes on RNA splicing suggest that this variant may disrupt the consensus splice site. For these reasons, this variant has been classified as Pathogenic.

Baylor Genetics
Classification: Pathogenic for Muscular dystrophy-dystroglycanopathy (congenital with brain and eye anomalies), type A2. Last evaluated: 2024-02-29. Review status: criteria provided, single submitter. Criteria: ACMG Guidelines, 2015. Collection method: clinical testing. Allele origin: unknown.

GeneDx
Classification: Pathogenic. Last evaluated: 2022-08-27. Review status: criteria provided, single submitter. Criteria: GeneDx Variant Classification Process June 2021. Collection method: clinical testing. Allele origin: germline. Affected: yes.
Comment: Nonsense variant predicted to result in protein truncation or nonsense mediated decay in a gene for which loss-of-function is a known mechanism of disease; Not observed at significant frequency in large population cohorts (gnomAD); This variant is associated with the following publications: (PMID: 29175898)

Literature cited by the submitters: PubMed 15894594 (cited by Labcorp Genetics (formerly Invitae), Labcorp); PubMed 29175898 (cited by Labcorp Genetics (formerly Invitae), Labcorp).